The following is an entry in ClinVar:

ClinVar aggregate classification (germline): Uncertain significance (0 of 4 stars; one submission).

Conditions:
CHD5-related disorder. Also called: CHD5-related condition.

Submission:

PreventionGenetics, part of Exact Sciences
Classification: Uncertain significance for CHD5-related condition. Last evaluated: 2024-08-23. Review status: no assertion criteria provided. Collection method: clinical testing. Allele origin: germline.
Comment: The CHD5 c.2398_2400delAAC variant is predicted to result in an in-frame deletion (p.Asn800del). To our knowledge, this variant has not been reported in the literature or in a large population database, indicating this variant is rare. At this time, the clinical significance of this variant is uncertain due to the absence of conclusive functional and genetic evidence.

NM_015557.3(CHD5):c.2398_2400del (p.Asn800del)

Gene: CHD5 (chromodomain helicase DNA binding protein 5; minus strand). Cytogenetic location: 1p36.31.
Variant type: Deletion.
Coding change: c.2398_2400del on transcript NM_015557.3 (MANE Select); coding-DNA positions 2398 to 2400, 3 bases deleted (AAC; older notation c.2398_2400delAAC).
Protein change: p.Asn800del; deletes asparagine 800.
Molecular consequence: inframe deletion.
Genome position (GRCh38, 1-based): chr1:6,142,164-6,142,166, GTT deleted on the plus strand (AAC on the coding strand, the reverse complement: CHD5 is on the minus strand); deleting any 3 consecutive bases within chr1:6,142,164-6,142,168 gives the same sequence; the c. name uses the placement nearest the transcript's 3' end. VCF-style (leftmost placement, unchanged base first): chr1-6142163-CGTT-C. GRCh37 (hg19) VCF-style: chr1-6202223-CGTT-C.
Other names: short protein forms N800del.
Identifiers: ClinVar variation 3346274 (VCV003346274.1).